The following is an entry in ClinVar:

NM_000535.7(PMS2):c.1701G>C (p.Gln567His)

Gene: PMS2 (PMS1 homolog 2, mismatch repair system component; minus strand). Cytogenetic location: 7p22.1.
Variant type: single nucleotide variant.
Coding change: c.1701G>C on transcript NM_000535.7 (MANE Select); coding-DNA position 1701, G replaced by C.
Protein change: p.Gln567His; replaces glutamine 567 with histidine.
Molecular consequence: missense variant. On other transcripts: non-coding transcript variant (1).
Genome position (GRCh38, 1-based): chr7:5,987,064, C>G on the plus strand (G>C on the coding strand, the complement: PMS2 is on the minus strand). VCF-style: chr7-5987064-C-G. GRCh37 (hg19) VCF-style: chr7-6026695-C-G.
Other names: c.1296G>C, p.Gln432His (NM_001322003.2, NM_001322004.2, NM_001322005.2 and 1 more transcripts); c.1545G>C, p.Gln515His (NM_001322006.2); c.1383G>C, p.Gln461His (NM_001322007.2, NM_001322008.2); c.1140G>C, p.Gln380His (NM_001322010.2); c.768G>C, p.Gln256His (NM_001322011.2, NM_001322012.2); c.1128G>C, p.Gln376His (NM_001322013.2); c.1701G>C, p.Gln567His (NM_001322014.2); c.1392G>C, p.Gln464His (NM_001322015.2); short protein forms Q461H, Q464H, Q380H, Q432H, Q515H, Q567H, Q256H, Q376H.
Identifiers: ClinVar variation 967034 (VCV000967034.9), dbSNP rs1783006792, ClinGen allele CA366741137.

ClinVar aggregate classification (germline): Uncertain significance (1 of 4 stars; one submission).

Conditions:
Hereditary nonpolyposis colorectal neoplasms. Identifiers: MedGen C0009405, MeSH D003123.

Submission:

Labcorp Genetics (formerly Invitae), Labcorp
Classification: Uncertain significance for Hereditary nonpolyposis colorectal neoplasms. Last evaluated: 2024-07-05. Review status: criteria provided, single submitter. Criteria: Invitae Variant Classification Sherloc (09022015). Collection method: clinical testing. Allele origin: germline.
Comment: This sequence change replaces glutamine, which is neutral and polar, with histidine, which is basic and polar, at codon 567 of the PMS2 protein (p.Gln567His). This variant is not present in population databases (gnomAD no frequency). This variant has not been reported in the literature in individuals affected with PMS2-related conditions. ClinVar contains an entry for this variant (Variation ID: 967034). Advanced modeling of protein sequence and biophysical properties (such as structural, functional, and spatial information, amino acid conservation, physicochemical variation, residue mobility, and thermodynamic stability) performed at Invitae indicates that this missense variant is not expected to disrupt PMS2 protein function with a negative predictive value of 80%. In summary, the available evidence is currently insufficient to determine the role of this variant in disease. Therefore, it has been classified as a Variant of Uncertain Significance.